The following is an entry in ClinVar:

ClinVar aggregate classification (germline): Benign/Likely benign. Review status: criteria provided, multiple submitters, no conflicts (2 of 4 stars). 5 submissions from 5 submitters: Benign (2); Likely benign (1). 2 of the submissions do not count toward it. Last evaluated 2026-01-28.

Conditions:
COL7A1-related disorder. Also called: COL7A1-related condition; COL7A1- related disorders.
Generalized dominant dystrophic epidermolysis bullosa (DDEB). Also called: DDEB, generalized; DDEB-gen; DYSTROPHIC EPIDERMOLYSIS BULLOSA, AUTOSOMAL DOMINANT; Epidermolysis bullosa dystrophica, autosomal dominant; Dominant DEB (DDEB). Identifiers: Orphanet 231568, MedGen C0432322, MONDO:0007549, OMIM 131750.
Transient bullous dermolysis of the newborn (TBDN). Also called: DYSTROPHIC EPIDERMOLYSIS BULLOSA, NEONATAL; EPIDERMOLYSIS BULLOSA DYSTROPHICA, NEONATAL FORM. Identifiers: Orphanet 79411, MedGen C1851573, MONDO:0007548, OMIM 131705.
Nonsyndromic congenital nail disorder 8. Also called: TOENAIL DYSTROPHY, ISOLATED. Identifiers: MedGen C1843761, MONDO:0011852, OMIM 607523.
Recessive dystrophic epidermolysis bullosa (RDEB). Also called: severe generalized recessive dystrophic epidermolysis bullosa; Epidermolysis Bullosa Distrophica Autosomal Recessive (RDEB); Hallopeau-Siemens Disease; DYSTROPHIC EPIDERMOLYSIS BULLOSA, AUTOSOMAL RECESSIVE; EPIDERMOLYSIS BULLOSA DYSTROPHICA, GENERALIZED SEVERE, AUTOSOMAL RECESSIVE; epidermolysis bullosa dystrophica, autosomal recessive. Identifiers: Orphanet 79408, Orphanet 79409, MedGen C0079474, MONDO:0009179, OMIM 226600.
Epidermolysis bullosa pruriginosa. Also called: DEB, PRURIGINOSA; DYSTROPHIC EPIDERMOLYSIS BULLOSA PRURIGINOSA. Identifiers: Orphanet 89843, MedGen C1275114, MONDO:0011398, OMIM 604129.
Pretibial dystrophic epidermolysis bullosa. Also called: Pretibial blistering; Pretibial epidermolysis bullosa; EPIDERMOLYSIS BULLOSA DYSTROPHICA, PRETIBIAL. Identifiers: Orphanet 79410, MedGen C0432321, MONDO:0007552, OMIM 131850, HP:0012221.
Dominant dystrophic epidermolysis bullosa with absence of skin. Also called: EPIDERMOLYSIS BULLOSA WITH CONGENITAL LOCALIZED ABSENCE OF SKIN AND DEFORMITY OF NAILS; EPIDERMOLYSIS BULLOSA DYSTROPHICA, BART TYPE. Identifiers: MedGen C0268371, MONDO:0007557, OMIM 132000.
Epidermolysis bullosa dystrophica. Also called: Dystrophic epidermolysis bullosa, Hallopeau-Siemens type (formerly); Dystrophic epidermolysis bullosa. Identifiers: Orphanet 303, MedGen C0079294, MONDO:0006543.

Allele frequency attached by ClinVar (database versions not stated): gnomAD 0.00408; ESP Exome Variant Server 0.00484; 1000 Genomes Project 0.00499; 1000 Genomes Project 30x 0.00500; TOPMed 0.00534.
gnomAD v4.1: 1,459 of 1,613,994 alleles (0.09%); highest among the groups gnomAD compares: African/African-American, 1.7%; 12 homozygotes.

Submissions (5):

Labcorp Genetics (formerly Invitae), Labcorp
Classification: Benign. Last evaluated: 2026-01-28. Review status: criteria provided, single submitter. Criteria: Invitae Variant Classification Sherloc (09022015). Collection method: clinical testing. Allele origin: germline.

Fulgent Genetics
Classification: Likely benign for Transient bullous dermolysis of the newborn; Generalized dominant dystrophic epidermolysis bullosa; Pretibial dystrophic epidermolysis bullosa; Dominant dystrophic epidermolysis bullosa with absence of skin; Recessive dystrophic epidermolysis bullosa; Epidermolysis bullosa pruriginosa; Nonsyndromic congenital nail disorder 8. Last evaluated: 2021-09-13. Review status: criteria provided, single submitter. Criteria: ACMG Guidelines, 2015. Collection method: clinical testing. Allele origin: unknown.

Illumina Laboratory Services, Illumina
Classification: Benign for Dystrophic epidermolysis bullosa. Last evaluated: 2017-04-27. Review status: criteria provided, single submitter. Criteria: ICSL Variant Classification Criteria 13 December 2019. Collection method: clinical testing. Allele origin: germline.
Comment: This variant was observed as part of a predisposition screen in an ostensibly healthy population. A literature search was performed for the gene, cDNA change, and amino acid change (where applicable). Publications were found based on this search. The evidence from the literature, in combination with allele frequency data from public databases where available, was sufficient to rule this variant out of causing disease. Therefore, this variant is classified as benign.

Natera, Inc.
Classification: Likely benign for Dystrophic epidermolysis bullosa. Last evaluated: 2020-01-06. Review status: no assertion criteria provided. Collection method: clinical testing. Allele origin: germline. Not counted in ClinVar's aggregate classification.

PreventionGenetics, part of Exact Sciences
Classification: Benign for COL7A1-related condition. Last evaluated: 2019-06-14. Review status: no assertion criteria provided. Collection method: clinical testing. Allele origin: germline. Not counted in ClinVar's aggregate classification.
Comment: This variant is classified as benign based on ACMG/AMP sequence variant interpretation guidelines (Richards et al. 2015 PMID: 25741868, with internal and published modifications).

Literature cited by the submitters: PubMed 18440202 (cited by Illumina Laboratory Services, Illumina).

NM_000094.4(COL7A1):c.4613G>A (p.Arg1538His)

Gene: COL7A1 (collagen type VII alpha 1 chain; minus strand). Cytogenetic location: 3p21.31.
Variant type: single nucleotide variant.
Coding change: c.4613G>A on transcript NM_000094.4 (MANE Select); coding-DNA position 4613, G replaced by A.
Protein change: p.Arg1538His; replaces arginine 1538 with histidine.
Molecular consequence: missense variant.
Genome position (GRCh38, 1-based): chr3:48,582,345, C>T on the plus strand (G>A on the coding strand, the complement: COL7A1 is on the minus strand). VCF-style: chr3-48582345-C-T. GRCh37 (hg19) VCF-style: chr3-48619778-C-T.
Other names: short protein forms R1538H.
Identifiers: ClinVar variation 791243 (VCV000791243.18), dbSNP rs2229824, ClinGen allele CA2379928.